The following is an entry in ClinVar:

NM_001008537.3(NEXMIF):c.3295C>G (p.Gln1099Glu)

Gene: NEXMIF (neurite extension and migration factor; minus strand). Cytogenetic location: Xq13.3.
Variant type: single nucleotide variant.
Coding change: c.3295C>G on transcript NM_001008537.3 (MANE Select); coding-DNA position 3295, C replaced by G.
Protein change: p.Gln1099Glu; replaces glutamine 1099 with glutamic acid.
Molecular consequence: missense variant.
Genome position (GRCh38, 1-based): chrX:74,741,262, G>C on the plus strand (C>G on the coding strand, the complement: NEXMIF is on the minus strand). VCF-style: chrX-74741262-G-C. GRCh37 (hg19) VCF-style: chrX-73961097-G-C.
Other names: short protein forms Q1099E.
Identifiers: ClinVar variation 4885473 (VCV004885473.2).

ClinVar aggregate classification (germline): Uncertain significance (1 of 4 stars; one submission).

Submission:

Dasa
Classification: Uncertain significance. Last evaluated: 2025-09-18. Review status: criteria provided, single submitter. Criteria: DASA Assertion Criteria. Collection method: clinical testing. Allele origin: germline.
Comment: NM_001008537.3(NEXMIF):c.3295C>G (p.Gln1099Glu) is a missense variant that results in the substitution of glutamine with glutamic acid. This variant is absent from population databases. Computational prediction algorithms are consistent with a benign effect. The currently available literature and clinical evidence are not sufficient to establish a definitive association between this variant and the reported condition. Therefore, this variant is classified as a variant of uncertain significance.